The following is an entry in ClinVar:

ClinVar aggregate classification (germline): Uncertain significance (1 of 4 stars; one submission).

Conditions:
Congenital myotonia, autosomal dominant form (THD). Also called: THOMSEN DISEASE; Myotonia congenita autosomal dominant. Identifiers: Orphanet 614, MedGen C2936781, MONDO:0008055, OMIM 160800.
Congenital myotonia, autosomal recessive form. Also called: Becker Generalized Myotonia; myotonia congenita, autosomal recessive; BECKER DISEASE. Identifiers: Orphanet 614, MedGen C0751360, MONDO:0009715, OMIM 255700.

Allele frequency attached by ClinVar (database versions not stated): gnomAD exomes below 0.00001.
gnomAD v4.1: 3 of 1,607,588 alleles (0.00019%); highest among the groups gnomAD compares: Non-Finnish European, 0.00026%; no homozygotes.

Submission:

Labcorp Genetics (formerly Invitae), Labcorp
Classification: Uncertain significance for Congenital myotonia, autosomal recessive form; Congenital myotonia, autosomal dominant form. Last evaluated: 2019-08-01. Review status: criteria provided, single submitter. Criteria: Invitae Variant Classification Sherloc (09022015). Collection method: clinical testing. Allele origin: germline.
Comment: This sequence change falls in intron 10 of the CLCN1 gene. It does not directly change the encoded amino acid sequence of the CLCN1 protein. This variant is not present in population databases (ExAC no frequency). This variant has not been reported in the literature in individuals with CLCN1-related conditions. Algorithms developed to predict the effect of sequence changes on RNA splicing suggest that this variant may disrupt the consensus splice site, but this prediction has not been confirmed by published transcriptional studies. In summary, the available evidence is currently insufficient to determine the role of this variant in disease. Therefore, it has been classified as a Variant of Uncertain Significance.

NM_000083.3(CLCN1):c.1167-9C>A

Gene: CLCN1 (chloride voltage-gated channel 1; plus strand). Cytogenetic location: 7q34.
Variant type: single nucleotide variant.
Coding change: c.1167-9C>A on transcript NM_000083.3 (MANE Select); 9 bases into the intron before coding-DNA position 1167, C replaced by A.
Molecular consequence: intron variant.
Genome position (GRCh38, 1-based): chr7:143,332,410, C>A. VCF-style: chr7-143332410-C-A. GRCh37 (hg19) VCF-style: chr7-143029503-C-A.
Identifiers: ClinVar variation 936525 (VCV000936525.1), dbSNP rs770515905, ClinGen allele CA1139660296.